The following is an entry in ClinVar:

NM_002878.4(RAD51D):c.264-2A>C

Genes: RAD51L3-RFFL (RAD51L3-RFFL readthrough; minus strand), RAD51D (RAD51 paralog D; minus strand). Cytogenetic location: 17q12.
Variant type: single nucleotide variant.
Coding change: c.264-2A>C on transcript NM_002878.4 (MANE Select); the canonical splice acceptor site of the intron before coding-DNA position 264, A replaced by C.
Molecular consequence: splice acceptor variant. On other transcripts: intron variant (1).
Genome position (GRCh38, 1-based): chr17:35,107,449, T>G on the plus strand (A>C on the coding strand, the complement: RAD51D is on the minus strand). VCF-style: chr17-35107449-T-G. GRCh37 (hg19) VCF-style: chr17-33434468-T-G.
Other names: c.145-968A>C (NM_133629.3); c.324-2A>C (NM_001142571.2).
Identifiers: ClinVar variation 482189 (VCV000482189.16), dbSNP rs1555568514, ClinGen allele CA399090042.
Genomic context (GRCh38, chr17:35,107,449, plus strand): 5'-CTCCTACAATTTCAGTCACTTCTCCAGTATAGAGACCAGCATCAAGCAGTTTATCAAGAC[T>G]GATGGCAGAAGAGAAGAAAATCAACACAAGAGGTTAGGAGGAAGACAGGGGAAAAGGTAC-3'

ClinVar aggregate classification (germline): Likely pathogenic. Review status: criteria provided, multiple submitters, no conflicts (2 of 4 stars). 3 submissions from 3 submitters: Likely pathogenic (3). Last evaluated 2025-05-15.

Conditions:
Hereditary cancer-predisposing syndrome. Also called: Neoplastic Syndromes, Hereditary; Tumor predisposition; Hereditary Cancer Syndrome; Hereditary neoplastic syndrome. Identifiers: Orphanet 140162, MedGen C0027672, MeSH D009386, MONDO:0015356.
Breast-ovarian cancer, familial, susceptibility to, 4. Identifiers: Orphanet 145, MedGen C3280345, MONDO:0013669, OMIM 614291.

Submissions (3):

Ambry Genetics
Classification: Likely pathogenic for Hereditary cancer-predisposing syndrome. Last evaluated: 2025-05-15. Review status: criteria provided, single submitter. Criteria: Ambry Variant Classification Scheme 2023. Collection method: clinical testing. Allele origin: germline.
Comment: The c.264-2A>C intronic variant results from an A to C substitution two nucleotides upstream from coding exon 4 in the RAD51D gene. This variant is considered to be rare based on population cohorts in the Genome Aggregation Database (gnomAD). This nucleotide position is highly conserved in available vertebrate species. In silico splice site analysis predicts that this alteration will weaken the native splice acceptor site; however, direct evidence is insufficient at this time (Ambry internal data). Alterations that disrupt the canonical splice site are expected to cause aberrant splicing, resulting in an abnormal protein or a transcript that is subject to nonsense-mediated mRNA decay. As such, this alteration is likely to be pathogenic.

Labcorp Genetics (formerly Invitae), Labcorp
Classification: Likely pathogenic for Breast-ovarian cancer, familial, susceptibility to, 4. Last evaluated: 2024-10-07. Review status: criteria provided, single submitter. Criteria: Invitae Variant Classification Sherloc (09022015). Collection method: clinical testing. Allele origin: germline.
Comment: This sequence change affects an acceptor splice site in intron 3 of the RAD51D gene. It is expected to disrupt RNA splicing. Variants that disrupt the donor or acceptor splice site typically lead to a loss of protein function (PMID: 16199547), and loss-of-function variants in RAD51D are known to be pathogenic (PMID: 21822267). This variant is not present in population databases (gnomAD no frequency). This variant has not been reported in the literature in individuals affected with RAD51D-related conditions. ClinVar contains an entry for this variant (Variation ID: 482189). Algorithms developed to predict the effect of sequence changes on RNA splicing suggest that this variant may disrupt the consensus splice site. In summary, the currently available evidence indicates that the variant is pathogenic, but additional data are needed to prove that conclusively. Therefore, this variant has been classified as Likely Pathogenic.

Myriad Genetics, Inc.
Classification: Likely pathogenic for Breast-ovarian cancer, familial, susceptibility to, 4. Last evaluated: 2024-01-04. Review status: criteria provided, single submitter. Criteria: Myriad Autosomal Dominant, Autosomal Recessive and X-Linked Classification Criteria (2023). Collection method: clinical testing. Allele origin: unknown.
Comment: This variant is considered likely pathogenic. This variant occurs within a consensus splice junction and is predicted to result in abnormal mRNA splicing of either an out-of-frame exon or an in-frame exon necessary for protein stability and/or normal function.

Literature cited by the submitters: PubMed 16199547 (cited by Labcorp Genetics (formerly Invitae), Labcorp); PubMed 21822267 (cited by Labcorp Genetics (formerly Invitae), Labcorp).